The following is an entry in ClinVar:

NM_006031.6(PCNT):c.3100C>T (p.Leu1034=)

Gene: PCNT (pericentrin; plus strand). Cytogenetic location: 21q22.3.
Variant type: single nucleotide variant.
Coding change: c.3100C>T on transcript NM_006031.6 (MANE Select); coding-DNA position 3100, C replaced by T.
Protein change: p.Leu1034=; no amino-acid change (leucine 1034 retained).
Molecular consequence: synonymous variant.
Genome position (GRCh38, 1-based): chr21:46,367,074, C>T. VCF-style: chr21-46367074-C-T. GRCh37 (hg19) VCF-style: chr21-47786989-C-T.
Other names: c.3100C>T (NM_006031.5); c.2746C>T, p.Leu916= (NM_001315529.2).
Identifiers: ClinVar variation 2974669 (VCV002974669.4), dbSNP rs765441517, ClinGen allele CA10079170.

ClinVar aggregate classification (germline): Likely benign. Review status: criteria provided, multiple submitters, no conflicts (2 of 4 stars). 2 submissions from 2 submitters: Likely benign (2). Last evaluated 2026-09-19.

Conditions:
PCNT-related disorder. Also called: PCNT-related condition.

Allele frequency attached by ClinVar (database versions not stated): gnomAD exomes below 0.00001; TOPMed below 0.00001; ExAC 0.00001.
gnomAD v4.1: 3 of 1,613,912 alleles (0.00019%); highest among the groups gnomAD compares: Middle Eastern, 0.016%; no homozygotes.

Submissions (2):

PreventionGenetics, part of Exact Sciences
Classification: Likely benign for PCNT-related condition. Last evaluated: 2026-09-19. Review status: criteria provided, single submitter. Criteria: ACMG Guidelines, 2015. Collection method: clinical testing. Allele origin: germline.
Comment: This variant is classified as likely benign based on ACMG/AMP sequence variant interpretation guidelines (Richards et al. 2015 PMID: 25741868, with internal and published modifications).

Labcorp Genetics (formerly Invitae), Labcorp
Classification: Likely benign. Last evaluated: 2023-12-10. Review status: criteria provided, single submitter. Criteria: Invitae Variant Classification Sherloc (09022015). Collection method: clinical testing. Allele origin: germline.